The following is an entry in ClinVar:

ClinVar aggregate classification (germline): Uncertain significance (1 of 4 stars; one submission).

gnomAD v4.1: 1 of 1,614,010 alleles (0.000062%); highest among the groups gnomAD compares: South Asian, 0.0011%; no homozygotes.

Submission:

GeneDx
Classification: Uncertain significance. Last evaluated: 2025-03-28. Review status: criteria provided, single submitter. Criteria: GeneDx Variant Classification Process June 2021. Collection method: clinical testing. Allele origin: germline. Affected: yes.
Comment: Not observed at significant frequency in large population cohorts (gnomAD); In silico analysis indicates that this missense variant does not alter protein structure/function; Has not been previously published as pathogenic or benign to our knowledge

NM_001162501.2(TNRC6B):c.1555G>A (p.Glu519Lys)

Gene: TNRC6B (trinucleotide repeat containing adaptor 6B; plus strand). Cytogenetic location: 22q13.1.
Variant type: single nucleotide variant.
Coding change: c.1555G>A on transcript NM_001162501.2 (MANE Select); coding-DNA position 1555, G replaced by A.
Protein change: p.Glu519Lys; replaces glutamic acid 519 with lysine.
Molecular consequence: missense variant. On other transcripts: intron variant (1).
Genome position (GRCh38, 1-based): chr22:40,265,785, G>A. VCF-style: chr22-40265785-G-A. GRCh37 (hg19) VCF-style: chr22-40661789-G-A.
Other names: c.1555G>A, p.Glu519Lys (NM_015088.3); c.565+3612G>A (NM_001024843.2); short protein forms E519K.
Identifiers: ClinVar variation 4087850 (VCV004087850.1).